The following is an entry in ClinVar:

ClinVar aggregate classification (germline): Likely pathogenic (1 of 4 stars; one submission).

Conditions:
Warburg micro syndrome 3 (WARBM3). Also called: MICRO SYNDROME 3. Identifiers: Orphanet 2510, MedGen C3280203, MONDO:0013638, OMIM 614222.

Submission:

University of Washington Department of Laboratory Medicine, University of Washington
Classification: Likely pathogenic for Warburg micro syndrome 3. Last evaluated: 2021-09-08. Review status: criteria provided, single submitter. Criteria: ACMG Guidelines, 2015. Collection method: clinical testing. Allele origin: paternal. Affected: yes.
Comment: This variant has been identified in 1/250,904 chromosomes by the Genome Aggregation Database. Although this variant has been seen in the general population, its frequency is low enough to be consistent with a recessive carrier frequency. The p.Thr91Ile variant is located in the Ras domain of the RAB18 protein and other variants (p.Arg93del, p.Thr95Arg) have also been reported near this position (Bem 2011, Handley 2013). In silico tools predict that this variant is deleterious; however, these predictions have not been tested directly. Using ACMG guidelines, this variant was classified as likely pathogenic for autosomal recessive RAB18 deficiency (ACMG evidence codes used: PM1, PM3, PM2_supporting, PP3, PP4).

NM_021252.5(RAB18):c.272C>T (p.Thr91Ile)

Gene: RAB18 (RAB18, member RAS oncogene family; plus strand). Cytogenetic location: 10p12.1.
Variant type: single nucleotide variant.
Coding change: c.272C>T on transcript NM_021252.5 (MANE Select); coding-DNA position 272, C replaced by T.
Protein change: p.Thr91Ile; replaces threonine 91 with isoleucine.
Molecular consequence: missense variant. On other transcripts: non-coding transcript variant (1), intron variant (1).
Genome position (GRCh38, 1-based): chr10:27,533,747, C>T. VCF-style: chr10-27533747-C-T. GRCh37 (hg19) VCF-style: chr10-27822676-C-T.
Other names: c.359C>T, p.Thr120Ile (NM_001256410.2); c.272C>T, p.Thr91Ile (NM_001256411.2); c.187-181C>T (NM_001256412.2); c.272C>T (NM_021252.4); short protein forms T120I, T91I.
Identifiers: ClinVar variation 3777097 (VCV003777097.1).
Genomic context (GRCh38, chr10:27,533,747, plus strand): 5'-TGCTTCTTTCTTTAATGCTTATTTAACAAATGACTCCTTTTATTTCAGTTTATGATGTCA[C>T]AAGAAGAGATACATTTGTTAAACTGGATAATTGGTTAAATGAATTGGAAACATACTGTAC-3'
Protein context (NP_067075.1, residues 81-101): AQGVILVYDV[Thr91Ile]RRDTFVKLDN